The following is an entry in ClinVar:

NM_004369.4(COL6A3):c.2108T>G (p.Leu703Arg)

Gene: COL6A3 (collagen type VI alpha 3 chain; minus strand). Cytogenetic location: 2q37.3.
Variant type: single nucleotide variant.
Coding change: c.2108T>G on transcript NM_004369.4 (MANE Select); coding-DNA position 2108, T replaced by G.
Protein change: p.Leu703Arg; replaces leucine 703 with arginine.
Molecular consequence: missense variant. On other transcripts: intron variant (1).
Genome position (GRCh38, 1-based): chr2:237,379,025, A>C on the plus strand (T>G on the coding strand, the complement: COL6A3 is on the minus strand). VCF-style: chr2-237379025-A-C. GRCh37 (hg19) VCF-style: chr2-238287668-A-C.
Other names: c.887T>G, p.Leu296Arg (NM_057164.5); c.1490T>G, p.Leu497Arg (NM_057165.5, NM_057167.4); c.677-1681T>G (NM_057166.5); short protein forms L296R, L497R, L703R.
Identifiers: ClinVar variation 2707118 (VCV002707118.3), dbSNP rs2077929383, ClinGen allele CA351214505.

ClinVar aggregate classification (germline): Uncertain significance (1 of 4 stars; one submission).

Conditions:
Bethlem myopathy 1A. Also called: MYOPATHY, BENIGN CONGENITAL, WITH CONTRACTURES; Bethlem myopathy 1; Bethlem Muscular Dystrophy. Identifiers: Orphanet 610, MedGen CN029274, MONDO:0024530, OMIM 158810.

Submission:

Labcorp Genetics (formerly Invitae), Labcorp
Classification: Uncertain significance for Bethlem myopathy 1A. Last evaluated: 2024-01-03. Review status: criteria provided, single submitter. Criteria: Invitae Variant Classification Sherloc (09022015). Collection method: clinical testing. Allele origin: germline.
Comment: This sequence change replaces leucine, which is neutral and non-polar, with arginine, which is basic and polar, at codon 703 of the COL6A3 protein (p.Leu703Arg). This variant is not present in population databases (gnomAD no frequency). This variant has not been reported in the literature in individuals affected with COL6A3-related conditions. Advanced modeling of protein sequence and biophysical properties (such as structural, functional, and spatial information, amino acid conservation, physicochemical variation, residue mobility, and thermodynamic stability) performed at Invitae indicates that this missense variant is not expected to disrupt COL6A3 protein function with a negative predictive value of 95%. In summary, the available evidence is currently insufficient to determine the role of this variant in disease. Therefore, it has been classified as a Variant of Uncertain Significance.